The following is an entry in ClinVar:

NM_001375765.1(GIGYF1):c.199G>A (p.Ala67Thr)

Gene: GIGYF1 (GRB10 interacting GYF protein 1; minus strand). Cytogenetic location: 7q22.1.
Variant type: single nucleotide variant.
Coding change: c.199G>A on transcript NM_001375765.1 (MANE Select); coding-DNA position 199, G replaced by A.
Protein change: p.Ala67Thr; replaces alanine 67 with threonine.
Molecular consequence: missense variant. On other transcripts: non-coding transcript variant (1).
Genome position (GRCh38, 1-based): chr7:100,687,850, C>T on the plus strand (G>A on the coding strand, the complement: GIGYF1 is on the minus strand). VCF-style: chr7-100687850-C-T. GRCh37 (hg19) VCF-style: chr7-100285473-C-T.
Other names: NM_022574.4:c.199G>A; c.199G>A, p.Ala67Thr (NM_001375759.1, NM_001375760.1, NM_001375761.1 and 6 more transcripts); short protein forms A67T.
Identifiers: ClinVar variation 3049796 (VCV003049796.2), dbSNP rs139996819, ClinGen allele CA4389160.
Genomic context (GRCh38, chr7:100,687,850, plus strand): 5'-GTTCCTCCTCAGTCAGCGGCTCCAGAGCCAGGGGCTGCAGTGGCTCGTCCTGCAGCACCG[C>T]GGCGAACTCCTTGTCCTGCAGCTCTTCCGGGACCTGGCAGTGGGTTGGGACAGCCAAGAC-3'
Protein context (NP_001362694.1, residues 57-77): PEELQDKEFA[Ala67Thr]VLQDEPLQPL

ClinVar aggregate classification (germline): Likely benign (0 of 4 stars; one submission).

Conditions:
GIGYF1-related disorder. Also called: GIGYF1-related condition.

Allele frequency attached by ClinVar (database versions not stated): 1000 Genomes Project 30x 0.00078; 1000 Genomes Project 0.00080; ESP Exome Variant Server 0.00277.
gnomAD v4.1: 5,378 of 1,613,024 alleles (0.33%); highest among the groups gnomAD compares: Non-Finnish European, 0.44%; 14 homozygotes.

Submission:

PreventionGenetics, part of Exact Sciences
Classification: Likely benign for GIGYF1-related condition. Last evaluated: 2022-02-15. Review status: no assertion criteria provided. Collection method: clinical testing. Allele origin: germline.
Comment: This variant is classified as likely benign based on ACMG/AMP sequence variant interpretation guidelines (Richards et al. 2015 PMID: 25741868, with internal and published modifications).